The following is an entry in ClinVar:

NM_005591.4(MRE11):c.785A>G (p.Tyr262Cys)

Gene: MRE11 (MRE11 double strand break repair nuclease; minus strand). Cytogenetic location: 11q21.
Variant type: single nucleotide variant.
Coding change: c.785A>G on transcript NM_005591.4 (MANE Select); coding-DNA position 785, A replaced by G.
Protein change: p.Tyr262Cys; replaces tyrosine 262 with cysteine.
Molecular consequence: missense variant.
Genome position (GRCh38, 1-based): chr11:94,471,634, T>C on the plus strand (A>G on the coding strand, the complement: MRE11 is on the minus strand). VCF-style: chr11-94471634-T-C. GRCh37 (hg19) VCF-style: chr11-94204800-T-C.
Other names: c.785A>G, p.Tyr262Cys (NM_001330347.2, NM_005590.4); short protein forms Y262C.
Identifiers: ClinVar variation 3397833 (VCV003397833.1).
Genomic context (GRCh38, chr11:94,471,634, plus strand): 5'-TTCTTTACAGCTTCTCCTGGGGAAAGAGAAGTAACCACTGAGCTTCCAGGTTGTGAGATA[T>C]AAAACAGCTGTTGTTCATTTTTGGTTGGAGCTATTTTACACTCATGTTCATGGCCCCAGA-3'
Protein context (NP_005582.1, residues 252-272): APTKNEQQLF[Tyr262Cys]ISQPGSSVVT

ClinVar aggregate classification (germline): Uncertain significance (1 of 4 stars; one submission).

Conditions:
Hereditary cancer-predisposing syndrome. Also called: Hereditary Cancer Syndrome; Tumor predisposition; Hereditary neoplastic syndrome; Neoplastic Syndromes, Hereditary. Identifiers: Orphanet 140162, MedGen C0027672, MeSH D009386, MONDO:0015356.

Submission:

Ambry Genetics
Classification: Uncertain significance for Hereditary cancer-predisposing syndrome. Last evaluated: 2024-09-08. Review status: criteria provided, single submitter. Criteria: Ambry Variant Classification Scheme 2023. Collection method: clinical testing. Allele origin: germline.
Comment: The p.Y262C variant (also known as c.785A>G), located in coding exon 7 of the MRE11A gene, results from an A to G substitution at nucleotide position 785. The tyrosine at codon 262 is replaced by cysteine, an amino acid with highly dissimilar properties. This amino acid position is conserved. In addition, this alteration is predicted to be deleterious by in silico analysis. Based on the available evidence, the clinical significance of this variant remains unclear.